The following is an entry in ClinVar:

NM_000203.5(IDUA):c.1827_1828+4delinsTGTGT

Gene: IDUA (alpha-L-iduronidase; plus strand). Cytogenetic location: 4p16.3.
Variant type: Indel.
Coding change: c.1827_1828+4delinsTGTGT on transcript NM_000203.5 (MANE Select); coding-DNA position 1827 through 4 bases into the intron after coding-DNA position 1828, AGGTGC replaced by TGTGT.
Molecular consequence: splice donor variant.
Genome position (GRCh38, 1-based): chr4:1,004,111-1,004,116, AGGTGC replaced by TGTGT. VCF-style: chr4-1004111-AGGTGC-TGTGT. GRCh37 (hg19) VCF-style: chr4-997899-AGGTGC-TGTGT.
Other names: c.1431_1432+4delinsTGTGT (NM_001363576.1).
Identifiers: ClinVar variation 1804658 (VCV001804658.2), dbSNP rs2534102903, ClinGen allele CA2580070701.

ClinVar aggregate classification (germline): Likely pathogenic. Review status: criteria provided, multiple submitters, no conflicts (2 of 4 stars). 2 submissions from 2 submitters: Likely pathogenic (2). Last evaluated 2024-05-23.

Conditions:
Hurler syndrome. Also called: Gargoylism, Hurler Syndrome; MUCOPOLYSACCHARIDOSIS TYPE IH; Severe MPS I (Hurler Syndrome). Identifiers: Orphanet 93473, MedGen C0086795, MONDO:0011758, OMIM 607014.
Mucopolysaccharidosis, MPS-I-S. Also called: Scheie Syndrome; MPS V; MUCOPOLYSACCHARIDOSIS TYPE V; MUCOPOLYSACCHARIDOSIS TYPE IS. Identifiers: Orphanet 93474, MedGen C0026708, MONDO:0011760, OMIM 607016.
Mucopolysaccharidosis, MPS-I-H/S. Also called: Mucopolysaccharidosis type IH/S. Identifiers: Orphanet 93476, MedGen C0086431, MONDO:0011759, OMIM 607015.
Mucopolysaccharidosis type 1. Also called: IDUA deficiency; MPS I; Mucopolysaccharidosis Type I. Identifiers: Orphanet 579, MedGen C0023786, MONDO:0001586.

Submissions (2):

Fulgent Genetics
Classification: Likely pathogenic for Hurler syndrome; Mucopolysaccharidosis, MPS-I-H/S; Mucopolysaccharidosis, MPS-I-S. Last evaluated: 2024-05-23. Review status: criteria provided, single submitter. Criteria: ACMG Guidelines, 2015. Collection method: clinical testing. Allele origin: germline.

Women's Health and Genetics/Laboratory Corporation of America, LabCorp
Classification: Likely pathogenic for Mucopolysaccharidosis type 1. Last evaluated: 2022-11-08. Review status: criteria provided, single submitter. Criteria: LabCorp Variant Classification Summary - May 2015. Collection method: clinical testing. Allele origin: germline.
Comment: Variant summary: IDUA c.1827_1828+4delinsTGTGT spans a canonical splice-site and is predicted to affect mRNA splicing resulting in a significantly altered protein due to either exon skipping, shortening, or inclusion of intronic material. Several computational tools predict a significant impact on normal splicing: Four predict the variant abolishes a canonical 5' splicing donor site. However, these predictions have yet to be confirmed by functional studies. The frequency of this variant in the general population could not be determined as the technology used for large population databases (ExAC, gnomAD, ESP, 1000G) cannot detect variants of this type. To our knowledge, no occurrence of c.1827_1828+4delinsTGTGT in individuals affected with Mucopolysaccharidosis Type 1 and no experimental evidence demonstrating its impact on protein function have been reported. No clinical diagnostic laboratories have submitted clinical-significance assessments for this variant to ClinVar after 2014. Based on the evidence outlined above, the variant was classified as likely pathogenic.